The following is an entry in ClinVar:

NM_001170629.2(CHD8):c.2744C>T (p.Pro915Leu)

Gene: CHD8 (chromodomain helicase DNA binding protein 8; minus strand). Cytogenetic location: 14q11.2.
Variant type: single nucleotide variant.
Coding change: c.2744C>T on transcript NM_001170629.2 (MANE Select); coding-DNA position 2744, C replaced by T.
Protein change: p.Pro915Leu; replaces proline 915 with leucine.
Molecular consequence: missense variant.
Genome position (GRCh38, 1-based): chr14:21,407,019, G>A on the plus strand (C>T on the coding strand, the complement: CHD8 is on the minus strand). VCF-style: chr14-21407019-G-A. GRCh37 (hg19) VCF-style: chr14-21875178-G-A.
Other names: c.1907C>T, p.Pro636Leu (NM_020920.4); short protein forms P636L, P915L.
Identifiers: ClinVar variation 5037480 (VCV005037480.1).
Genomic context (GRCh38, chr14:21,407,019, plus strand): 5'-GGACAATCTGACAAAATCATCTCAAAAGTGGTGATCAGAGCGTCAAACTTGTATGCGCCT[G>A]GGATGAGGCGTCCCTAAGCATGAAGGCAGTAAAGTCAGAAAAAACCAAAAATGTACCTAA-3'
Protein context (NP_001164100.1, residues 905-925): YCKDSRGRLI[Pro915Leu]GAYKFDALIT

ClinVar aggregate classification (germline): Uncertain significance (1 of 4 stars; one submission).

Submission:

GeneDx
Classification: Uncertain significance. Last evaluated: 2026-04-23. Review status: criteria provided, single submitter. Criteria: GeneDx Variant Classification Process June 2021. Collection method: clinical testing. Allele origin: germline.
Comment: Not observed at significant frequency in large population cohorts (gnomAD); In silico analysis supports that this missense variant has a deleterious effect on protein structure/function; Has not been previously published as pathogenic or benign to our knowledge; In silico analysis suggests this variant may impact gene splicing. In the absence of RNA/functional studies, the actual effect of this sequence change is unknown.